The following is an entry in ClinVar:

NM_000297.4(PKD2):c.316del (p.Glu106fs)

Genes: PKD2 (polycystin 2, transient receptor potential cation channel; plus strand), LOC129992813 (ATAC-STARR-seq lymphoblastoid silent region 15559; plus strand). Cytogenetic location: 4q22.1.
Variant type: Deletion.
Coding change: c.316del on transcript NM_000297.4 (MANE Select); coding-DNA position 316, one base deleted (G; older notation c.316delG).
Protein change: p.Glu106fs; shifts the reading frame from glutamic acid 106.
Molecular consequence: frameshift variant. On other transcripts: non-coding transcript variant (1).
Genome position (GRCh38, 1-based): chr4:88,008,049, G deleted; the last of 4 consecutive G bases (chr4:88,008,046-88,008,049); deleting any one gives the same sequence. VCF-style (leftmost placement, unchanged base first): chr4-88008045-AG-A. GRCh37 (hg19) VCF-style: chr4-88929197-AG-A.
Other names: short protein forms E106fs.
Identifiers: ClinVar variation 2683951 (VCV002683951.2), dbSNP rs2476357791, ClinGen allele CA2695203469.

ClinVar aggregate classification (germline): Pathogenic. Review status: criteria provided, multiple submitters, no conflicts (2 of 4 stars). 2 submissions from 2 submitters: Pathogenic (2). Last evaluated 2025-05-15.

Conditions:
Polycystic kidney disease 2 (PKD2). Also called: Polycystic Kidney Disease 2, Autosomal Dominant; POLYCYSTIC KIDNEY DISEASE, ADULT, TYPE II; POLYCYSTIC KIDNEY DISEASE 2 WITH OR WITHOUT POLYCYSTIC LIVER DISEASE. Identifiers: MedGen C2751306, MONDO:0013131, OMIM 613095.

Submissions (2):

MVZ Medizinische Genetik Mainz
Classification: Pathogenic for Polycystic kidney disease 2. Last evaluated: 2025-05-15. Review status: criteria provided, single submitter. Criteria: UK Practice Guidelines For Variant Classification V4 01 2020. Collection method: clinical testing. Allele origin: germline. Inheritance: Autosomal dominant inheritance. Affected: yes. Observed: 1 variant allele.
Comment: ACMG Criteria: PVS1,PS4,PM2_SUP,PP4

MVZ Martinsried, Medicover Genetics
Classification: Pathogenic for Polycystic kidney disease 2. Last evaluated: 2023-07-10. Review status: criteria provided, single submitter. Criteria: ACGS Guidelines, 2020. Collection method: clinical testing. Allele origin: unknown. Affected: yes.